The following is an entry in ClinVar:

NM_033026.6(PCLO):c.4020A>G (p.Glu1340=)

Gene: PCLO (piccolo presynaptic cytomatrix protein; minus strand). Cytogenetic location: 7q21.11.
Variant type: single nucleotide variant.
Coding change: c.4020A>G on transcript NM_033026.6 (MANE Select); coding-DNA position 4020, A replaced by G.
Protein change: p.Glu1340=; no amino-acid change (glutamic acid 1340 retained).
Molecular consequence: synonymous variant.
Genome position (GRCh38, 1-based): chr7:82,956,933, T>C on the plus strand (A>G on the coding strand, the complement: PCLO is on the minus strand). VCF-style: chr7-82956933-T-C. GRCh37 (hg19) VCF-style: chr7-82586249-T-C.
Other names: c.4020A>G, p.Glu1340= (NM_014510.3).
Identifiers: ClinVar variation 3352859 (VCV003352859.1).
Genomic context (GRCh38, chr7:82,956,933, plus strand): 5'-CAGACCTTGGGGGCTTTTAGGCTGCTGAGAACTTGAGGTGTCTGATTTGTCATCTTCCTT[T>C]TCCTAAGCAGGGAGATAAAGATACAGGAAAACTTAACATGGTTAAACTAAAAACATGGCC-3'
Protein context (NP_149015.2, residues 1330-1350): DQVEPGKEKT[Glu1340=]KEDDKSDTSS

ClinVar aggregate classification (germline): Likely benign (0 of 4 stars; one submission).

Conditions:
PCLO-related disorder. Also called: PCLO-related condition.

gnomAD v4.1: 12 of 1,590,622 alleles (0.00075%); highest among the groups gnomAD compares: South Asian, 0.013%; no homozygotes.

Submission:

PreventionGenetics, part of Exact Sciences
Classification: Likely benign for PCLO-related condition. Last evaluated: 2024-05-30. Review status: no assertion criteria provided. Collection method: clinical testing. Allele origin: germline.
Comment: This variant is classified as likely benign based on ACMG/AMP sequence variant interpretation guidelines (Richards et al. 2015 PMID: 25741868, with internal and published modifications).